The following is an entry in ClinVar:

ClinVar aggregate classification (germline): Conflicting classifications of pathogenicity. Review status: criteria provided, conflicting classifications (1 of 4 stars). 3 submissions from 3 submitters: Uncertain significance (2); Likely benign (1). Last evaluated 2022-08-09.

Conditions:
Microcephaly 5, primary, autosomal recessive (MCPH5). Also called: ASPM Primary Microcephaly. Identifiers: Orphanet 2512, MedGen C1837501, MONDO:0012106, OMIM 608716.

Allele frequency attached by ClinVar (database versions not stated): ExAC 0.00001; gnomAD 0.00001; gnomAD exomes 0.00002; TOPMed 0.00003; ESP Exome Variant Server 0.00008.
gnomAD v4.1: 42 of 1,613,746 alleles (0.0026%); highest among the groups gnomAD compares: Admixed American, 0.0067%; no homozygotes.

Submissions (3):

Labcorp Genetics (formerly Invitae), Labcorp
Classification: Uncertain significance. Last evaluated: 2022-08-09. Review status: criteria provided, single submitter. Criteria: Invitae Variant Classification Sherloc (09022015). Collection method: clinical testing. Allele origin: germline.
Comment: In summary, the available evidence is currently insufficient to determine the role of this variant in disease. Therefore, it has been classified as a Variant of Uncertain Significance. Algorithms developed to predict the effect of missense changes on protein structure and function output the following: SIFT: "Tolerated"; PolyPhen-2: "Benign"; Align-GVGD: "Class C0". The leucine amino acid residue is found in multiple mammalian species, which suggests that this missense change does not adversely affect protein function. ClinVar contains an entry for this variant (Variation ID: 210348). This variant has not been reported in the literature in individuals affected with ASPM-related conditions. This variant is present in population databases (rs199813531, gnomAD 0.009%). This sequence change replaces valine, which is neutral and non-polar, with leucine, which is neutral and non-polar, at codon 614 of the ASPM protein (p.Val614Leu).

Illumina Laboratory Services, Illumina
Classification: Uncertain significance for Microcephaly 5, primary, autosomal recessive. Last evaluated: 2018-01-13. Review status: criteria provided, single submitter. Criteria: ICSL Variant Classification Criteria 13 December 2019. Collection method: clinical testing. Allele origin: germline.

Genetic Services Laboratory, University of Chicago
Classification: Likely benign. Last evaluated: 2015-04-22. Review status: criteria provided, single submitter. Criteria: ACMG Guidelines, 2015. Collection method: clinical testing. Allele origin: germline.

NM_018136.5(ASPM):c.1840G>C (p.Val614Leu)

Gene: ASPM (assembly factor for spindle microtubules; minus strand). Cytogenetic location: 1q31.3.
Variant type: single nucleotide variant.
Coding change: c.1840G>C on transcript NM_018136.5 (MANE Select); coding-DNA position 1840, G replaced by C.
Protein change: p.Val614Leu; replaces valine 614 with leucine.
Molecular consequence: missense variant.
Genome position (GRCh38, 1-based): chr1:197,142,412, C>G on the plus strand (G>C on the coding strand, the complement: ASPM is on the minus strand). VCF-style: chr1-197142412-C-G. GRCh37 (hg19) VCF-style: chr1-197111542-C-G.
Other names: c.1840G>C, p.Val614Leu (NM_001206846.2); short protein forms V614L.
Identifiers: ClinVar variation 210348 (VCV000210348.11), dbSNP rs199813531, ClinGen allele CA208920.